The following is an entry in ClinVar:

ClinVar aggregate classification (germline): Uncertain significance. Review status: criteria provided, multiple submitters, no conflicts (2 of 4 stars). 2 submissions from 2 submitters: Uncertain significance (2). Last evaluated 2025-09-14.

Conditions:
KBG syndrome (KBGS). Also called: ANKRD11-Related KBG Syndrome. Identifiers: Orphanet 2332, MedGen C0220687, MONDO:0007846, OMIM 148050.

Allele frequency attached by ClinVar (database versions not stated): ExAC 0.00001; gnomAD 0.00001; TOPMed 0.00002.
gnomAD v4.1: 18 of 1,602,828 alleles (0.0011%); highest among the groups gnomAD compares: Non-Finnish European, 0.0015%; no homozygotes.

Submissions (2):

Labcorp Genetics (formerly Invitae), Labcorp
Classification: Uncertain significance for KBG syndrome. Last evaluated: 2025-09-14. Review status: criteria provided, single submitter. Criteria: Invitae Variant Classification Sherloc (09022015). Collection method: clinical testing. Allele origin: germline.
Comment: This sequence change replaces proline, which is neutral and non-polar, with leucine, which is neutral and non-polar, at codon 1908 of the ANKRD11 protein (p.Pro1908Leu). This variant is present in population databases (rs755312630, gnomAD 0.0009%). This variant has not been reported in the literature in individuals affected with ANKRD11-related conditions. ClinVar contains an entry for this variant (Variation ID: 1704940). Invitae Evidence Modeling of protein sequence and biophysical properties (such as structural, functional, and spatial information, amino acid conservation, physicochemical variation, residue mobility, and thermodynamic stability) indicates that this missense variant is not expected to disrupt ANKRD11 protein function with a negative predictive value of 95%. In summary, the available evidence is currently insufficient to determine the role of this variant in disease. Therefore, it has been classified as a Variant of Uncertain Significance.

GeneDx
Classification: Uncertain significance. Last evaluated: 2022-03-11. Review status: criteria provided, single submitter. Criteria: GeneDx Variant Classification Process June 2021. Collection method: clinical testing. Allele origin: germline. Affected: yes.
Comment: Not observed at significant frequency in large population cohorts (gnomAD); In silico analysis supports that this missense variant does not alter protein structure/function; Has not been previously published as pathogenic or benign to our knowledge

NM_013275.6(ANKRD11):c.5723C>T (p.Pro1908Leu)

Gene: ANKRD11 (ankyrin repeat domain 11; minus strand). Cytogenetic location: 16q24.3.
Variant type: single nucleotide variant.
Coding change: c.5723C>T on transcript NM_013275.6 (MANE Select); coding-DNA position 5723, C replaced by T.
Protein change: p.Pro1908Leu; replaces proline 1908 with leucine.
Molecular consequence: missense variant.
Genome position (GRCh38, 1-based): chr16:89,280,819, G>A on the plus strand (C>T on the coding strand, the complement: ANKRD11 is on the minus strand). VCF-style: chr16-89280819-G-A. GRCh37 (hg19) VCF-style: chr16-89347227-G-A.
Other names: c.5723C>T, p.Pro1908Leu (NM_001256182.2, NM_001256183.2); short protein forms P1908L.
Identifiers: ClinVar variation 1704940 (VCV001704940.3), dbSNP rs755312630, ClinGen allele CA8241745.
Genomic context (GRCh38, chr16:89,280,819, plus strand): 5'-GGCTCCGGGGGGATGATGGCGGCCGTCGCCTGCTGGTCCTCGGAGGTGTCCAGGTCCGGG[G>A]GAAGGGCCCCTTCGAGGGAAGGAACCAGCAGCTCGGCTCTGGGGGAAGGGGAAGGTTTTG-3'
Protein context (NP_037407.4, residues 1898-1918): LLVPSLEGAL[Pro1908Leu]PDLDTSEDQQ